The following is an entry in ClinVar:

ClinVar aggregate classification (germline): Pathogenic/Likely pathogenic. Review status: criteria provided, multiple submitters, no conflicts (2 of 4 stars). 2 submissions from 2 submitters: Pathogenic (1); Likely pathogenic (1). Last evaluated 2023-04-17.

Conditions:
Retinitis pigmentosa 25 (RP25). Identifiers: Orphanet 791, MedGen C1864446, MONDO:0011272, OMIM 602772.

Allele frequency attached by ClinVar (database versions not stated): TOPMed below 0.00001.

Submissions (2):

Labcorp Genetics (formerly Invitae), Labcorp
Classification: Pathogenic. Last evaluated: 2023-04-17. Review status: criteria provided, single submitter. Criteria: Invitae Variant Classification Sherloc (09022015). Collection method: clinical testing. Allele origin: germline.
Comment: This sequence change creates a premature translational stop signal (p.Gln97*) in the EYS gene. It is expected to result in an absent or disrupted protein product. Loss-of-function variants in EYS are known to be pathogenic (PMID: 18836446, 20333770). For these reasons, this variant has been classified as Pathogenic. ClinVar contains an entry for this variant (Variation ID: 1377018). This variant has not been reported in the literature in individuals affected with EYS-related conditions. This variant is not present in population databases (gnomAD no frequency).

Baylor Genetics
Classification: Likely pathogenic for Retinitis pigmentosa 25. Last evaluated: 2022-07-08. Review status: criteria provided, single submitter. Criteria: ACMG Guidelines, 2015. Collection method: clinical testing. Allele origin: unknown.

Literature cited by the submitters: PubMed 18836446 (cited by Labcorp Genetics (formerly Invitae), Labcorp); PubMed 20333770 (cited by Labcorp Genetics (formerly Invitae), Labcorp).

NM_001142800.2(EYS):c.289C>T (p.Gln97Ter)

Gene: EYS (EGF-like photoreceptor maintenance factor; minus strand). Cytogenetic location: 6q12.
Variant type: single nucleotide variant.
Coding change: c.289C>T on transcript NM_001142800.2 (MANE Select); coding-DNA position 289, C replaced by T.
Protein change: p.Gln97Ter; replaces glutamine 97 with a stop codon.
Molecular consequence: nonsense.
Genome position (GRCh38, 1-based): chr6:65,495,122, G>A on the plus strand (C>T on the coding strand, the complement: EYS is on the minus strand). VCF-style: chr6-65495122-G-A. GRCh37 (hg19) VCF-style: chr6-66205015-G-A.
Other names: c.289C>T, p.Gln97Ter (NM_001142801.2, NM_001292009.2, NM_198283.2); short protein forms Q97*.
Identifiers: ClinVar variation 1377018 (VCV001377018.7), dbSNP rs1766202141, ClinGen allele CA364790238.
Genomic context (GRCh38, chr6:65,495,122, plus strand): 5'-TTTGCACACAGCCAACGAAAGATGTTTCAGAAACATTCATCAAATTTATTTCTGGAAATT[G>A]AAGAGATGGTTCAGAAGAAATTACAAGGATATCTCCTAATTGAATTTGCAAAGGGCAAAT-3'